The following is an entry in ClinVar:

ClinVar aggregate classification (germline): Uncertain significance (1 of 4 stars; one submission).

Submission:

Labcorp Genetics (formerly Invitae), Labcorp
Classification: Uncertain significance. Last evaluated: 2024-07-19. Review status: criteria provided, single submitter. Criteria: Invitae Variant Classification Sherloc (09022015). Collection method: clinical testing. Allele origin: germline.
Comment: This sequence change replaces glutamine, which is neutral and polar, with arginine, which is basic and polar, at codon 334 of the TUBB2B protein (p.Gln334Arg). This variant is not present in population databases (gnomAD no frequency). This variant has not been reported in the literature in individuals affected with TUBB2B-related conditions. Advanced modeling of protein sequence and biophysical properties (such as structural, functional, and spatial information, amino acid conservation, physicochemical variation, residue mobility, and thermodynamic stability) performed at Invitae indicates that this missense variant is not expected to disrupt TUBB2B protein function with a negative predictive value of 80%. In summary, the available evidence is currently insufficient to determine the role of this variant in disease. Therefore, it has been classified as a Variant of Uncertain Significance.

NM_178012.5(TUBB2B):c.1001A>G (p.Gln334Arg)

Gene: TUBB2B (tubulin beta 2B class IIb; minus strand). Cytogenetic location: 6p25.2.
Variant type: single nucleotide variant.
Coding change: c.1001A>G on transcript NM_178012.5 (MANE Select); coding-DNA position 1001, A replaced by G.
Protein change: p.Gln334Arg; replaces glutamine 334 with arginine.
Molecular consequence: missense variant.
Genome position (GRCh38, 1-based): chr6:3,225,088, T>C on the plus strand (A>G on the coding strand, the complement: TUBB2B is on the minus strand). VCF-style: chr6-3225088-T-C. GRCh37 (hg19) VCF-style: chr6-3225322-T-C.
Other names: short protein forms Q334R.
Identifiers: ClinVar variation 3659167 (VCV003659167.2).